The following is an entry in ClinVar:

ClinVar aggregate classification (germline): Uncertain significance. Review status: criteria provided, multiple submitters, no conflicts (2 of 4 stars). 2 submissions from 2 submitters: Uncertain significance (2). Last evaluated 2025-12-02.

Conditions:
Inborn genetic diseases. Identifiers: MedGen C0950123, MeSH D030342.

gnomAD v4.1: 2 of 1,613,808 alleles (0.00012%); highest among the groups gnomAD compares: Non-Finnish European, 0.00017%; no homozygotes.

Submissions (2):

Ambry Genetics
Classification: Uncertain significance for Inborn genetic diseases. Last evaluated: 2025-12-02. Review status: criteria provided, single submitter. Criteria: Ambry Variant Classification Scheme 2023. Collection method: clinical testing. Allele origin: germline.

Labcorp Genetics (formerly Invitae), Labcorp
Classification: Uncertain significance. Last evaluated: 2024-07-15. Review status: criteria provided, single submitter. Criteria: Invitae Variant Classification Sherloc (09022015). Collection method: clinical testing. Allele origin: germline.
Comment: This sequence change replaces histidine, which is basic and polar, with arginine, which is basic and polar, at codon 1198 of the ALPK1 protein (p.His1198Arg). This variant is not present in population databases (gnomAD no frequency). This variant has not been reported in the literature in individuals affected with ALPK1-related conditions. An algorithm developed to predict the effect of missense changes on protein structure and function (PolyPhen-2) suggests that this variant is likely to be disruptive. In summary, the available evidence is currently insufficient to determine the role of this variant in disease. Therefore, it has been classified as a Variant of Uncertain Significance.

NM_025144.4(ALPK1):c.3593A>G (p.His1198Arg)

Gene: ALPK1 (alpha kinase 1; plus strand). Cytogenetic location: 4q25.
Variant type: single nucleotide variant.
Coding change: c.3593A>G on transcript NM_025144.4 (MANE Select); coding-DNA position 3593, A replaced by G.
Protein change: p.His1198Arg; replaces histidine 1198 with arginine.
Molecular consequence: missense variant.
Genome position (GRCh38, 1-based): chr4:112,440,971, A>G. VCF-style: chr4-112440971-A-G. GRCh37 (hg19) VCF-style: chr4-113362127-A-G.
Other names: c.3593A>G (NM_025144.3); c.3593A>G, p.His1198Arg (NM_001102406.2); c.3359A>G, p.His1120Arg (NM_001253884.2); short protein forms H1198R, H1120R.
Identifiers: ClinVar variation 3701367 (VCV003701367.3).